The following is an entry in ClinVar:

ClinVar aggregate classification (germline): Pathogenic (1 of 4 stars; one submission).

Submission:

Labcorp Genetics (formerly Invitae), Labcorp
Classification: Pathogenic. Last evaluated: 2023-03-04. Review status: criteria provided, single submitter. Criteria: Invitae Variant Classification Sherloc (09022015). Collection method: clinical testing. Allele origin: unknown.
Comment: For these reasons, this variant has been classified as Pathogenic. This variant has not been reported in the literature in individuals affected with COL4A5-related conditions. This variant is a gross deletion of the genomic region encompassing exon(s) 19-21 of the COL4A5 gene. This deletion is out-of-frame, and is expected to create a premature termination codon and result in an absent or disrupted protein product. Loss-of-function variants in COL4A5 are known to be pathogenic (PMID: 9195222, 10752524, 14514738, 24854265, 26809805).

Literature cited by the submitters: PubMed 9195222; PubMed 10752524; PubMed 14514738; PubMed 24854265; PubMed 26809805.

NC_000023.10:g.(?_107829825)_(107834894_?)del

Gene: COL4A5 (collagen type IV alpha 5 chain; plus strand). Cytogenetic location: Xq22.3.
Variant type: Deletion.
Identifiers: ClinVar variation 3246255 (VCV003246255.1).